The following is an entry in ClinVar:

ClinVar aggregate classification (germline): Conflicting classifications of pathogenicity. Review status: criteria provided, conflicting classifications (1 of 4 stars). 7 submissions from 7 submitters: Uncertain significance (1); Benign (2); Likely benign (4). Last evaluated 2026-04-01.

Conditions:
Inborn genetic diseases. Identifiers: MedGen C0950123, MeSH D030342.
Pitt-Hopkins-like syndrome 2 (PTHSL2). Identifiers: Orphanet 221150, Orphanet 600663, MedGen C3280479, MONDO:0013690, OMIM 614325.

Allele frequency attached by ClinVar (database versions not stated): gnomAD 0.00001 and 0.00003; TOPMed 0.00022; 1000 Genomes Project 0.00060; 1000 Genomes Project 30x 0.00094.
gnomAD v4.1: 84 of 1,605,646 alleles (0.0052%); highest among the groups gnomAD compares: Admixed American, 0.14%; no homozygotes.

Submissions (7):

CeGaT Center for Human Genetics Tuebingen
Classification: Likely benign. Last evaluated: 2026-04-01. Review status: criteria provided, single submitter. Criteria: CeGaT Center For Human Genetics Tuebingen Variant Classification Criteria Version 2. Collection method: clinical testing. Allele origin: germline. Affected: yes. Observed: 1 variant allele.
Comment: NRXN1: BP4, BP7

Labcorp Genetics (formerly Invitae), Labcorp
Classification: Benign for Pitt-Hopkins-like syndrome 2. Last evaluated: 2025-12-13. Review status: criteria provided, single submitter. Criteria: Invitae Variant Classification Sherloc (09022015). Collection method: clinical testing. Allele origin: germline.

Athena Diagnostics
Classification: Benign. Last evaluated: 2024-11-26. Review status: criteria provided, single submitter. Criteria: Athena Diagnostics Criteria. Collection method: clinical testing. Allele origin: unknown.

GeneDx
Classification: Likely benign. Last evaluated: 2020-11-03. Review status: criteria provided, single submitter. Criteria: GeneDx Variant Classification Process June 2021. Collection method: clinical testing. Allele origin: germline. Affected: yes.

Ambry Genetics
Classification: Likely benign for Inborn genetic diseases. Last evaluated: 2017-08-02. Review status: criteria provided, single submitter. Criteria: Ambry Variant Classification Scheme 2023. Collection method: clinical testing. Allele origin: germline.

Genetic Services Laboratory, University of Chicago
Classification: Likely benign. Last evaluated: 2016-10-04. Review status: criteria provided, single submitter. Criteria: ACMG Guidelines, 2015. Collection method: clinical testing. Allele origin: germline. Affected: no.

Eurofins Ntd Llc (ga)
Classification: Uncertain significance. Last evaluated: 2014-11-18. Review status: criteria provided, single submitter. Criteria: EGL Classification Definitions 2015. Collection method: clinical testing. Allele origin: germline. Observed: 1 variant allele, 1 heterozygote.

NM_001330078.2(NRXN1):c.1326A>C (p.Val442=)

Gene: NRXN1 (neurexin 1; minus strand). Cytogenetic location: 2p16.3.
Variant type: single nucleotide variant.
Coding change: c.1326A>C on transcript NM_001330078.2 (MANE Select); coding-DNA position 1326, A replaced by C.
Protein change: p.Val442=; no amino-acid change (valine 442 retained).
Molecular consequence: synonymous variant.
Genome position (GRCh38, 1-based): chr2:50,553,020, T>G on the plus strand (A>C on the coding strand, the complement: NRXN1 is on the minus strand). VCF-style: chr2-50553020-T-G. GRCh37 (hg19) VCF-style: chr2-50780158-T-G.
Other names: c.1446A>C, p.Val482= (NM_001135659.3); c.1302A>C, p.Val434= (NM_001330077.2, NM_001330082.2, NM_001330095.2); c.1287A>C, p.Val429= (NM_001330083.2, NM_001330084.2); c.1326A>C, p.Val442= (NM_001330085.2, NM_001330086.2, NM_004801.6); c.1242A>C, p.Val414= (NM_001330087.2, NM_001330096.2); c.1272A>C, p.Val424= (NM_001330088.2); c.1323A>C, p.Val441= (NM_001330093.2); c.1314A>C, p.Val438= (NM_001330094.2).
Identifiers: ClinVar variation 193624 (VCV000193624.28), dbSNP rs201485014, ClinGen allele CA239191.